The following is an entry in ClinVar:

NM_005334.3(HCFC1):c.3175C>T (p.Leu1059Phe)

Gene: HCFC1 (host cell factor C1; minus strand). Cytogenetic location: Xq28.
Variant type: single nucleotide variant.
Coding change: c.3175C>T on transcript NM_005334.3 (MANE Select); coding-DNA position 3175, C replaced by T.
Protein change: p.Leu1059Phe; replaces leucine 1059 with phenylalanine.
Molecular consequence: missense variant.
Genome position (GRCh38, 1-based): chrX:153,955,224, G>A on the plus strand (C>T on the coding strand, the complement: HCFC1 is on the minus strand). VCF-style: chrX-153955224-G-A. GRCh37 (hg19) VCF-style: chrX-153220675-G-A.
Other names: c.3175C>T, p.Leu1059Phe (NM_001410705.1); short protein forms L1059F.
Identifiers: ClinVar variation 3724665 (VCV003724665.2).
Genomic context (GRCh38, chrX:153,955,224, plus strand): 5'-GCGGGTTCGAACAGACTCGGACCACGCTACCATTCTGCTGGCCCACAGTCGAGGTCACAA[G>A]AGAAGCAGCTGCCTCCTGTCTGTCACAGACGAACTGCACTTGGGTGGGCTGGGGGTGTCC-3'
Protein context (NP_005325.2, residues 1049-1069): VCDRQEAAAS[Leu1059Phe]VTSTVGQQNG

ClinVar aggregate classification (germline): Uncertain significance (1 of 4 stars; one submission).

Conditions:
Methylmalonic acidemia with homocystinuria, type cblX (MAHCX). Also called: INTELLECTUAL DEVELOPMENTAL DISORDER, X-LINKED 3. Identifiers: Orphanet 369962, MedGen C0796208, MONDO:0010657, OMIM 309541.

Submission:

Labcorp Genetics (formerly Invitae), Labcorp
Classification: Uncertain significance for Methylmalonic acidemia with homocystinuria, type cblX. Last evaluated: 2024-11-06. Review status: criteria provided, single submitter. Criteria: Invitae Variant Classification Sherloc (09022015). Collection method: clinical testing. Allele origin: germline.
Comment: This sequence change replaces leucine, which is neutral and non-polar, with phenylalanine, which is neutral and non-polar, at codon 1059 of the HCFC1 protein (p.Leu1059Phe). This variant is not present in population databases (gnomAD no frequency). This variant has not been reported in the literature in individuals affected with HCFC1-related conditions. An algorithm developed to predict the effect of missense changes on protein structure and function (PolyPhen-2) suggests that this variant is likely to be disruptive. In summary, the available evidence is currently insufficient to determine the role of this variant in disease. Therefore, it has been classified as a Variant of Uncertain Significance.